The following is an entry in ClinVar:

NM_000059.4(BRCA2):c.3976G>C (p.Ala1326Pro)

Gene: BRCA2 (BRCA2 DNA repair associated; plus strand). Cytogenetic location: 13q13.1.
Variant type: single nucleotide variant.
Coding change: c.3976G>C on transcript NM_000059.4 (MANE Select); coding-DNA position 3976, G replaced by C.
Protein change: p.Ala1326Pro; replaces alanine 1326 with proline.
Molecular consequence: missense variant. On other transcripts: non-coding transcript variant (1), intron variant (2).
Genome position (GRCh38, 1-based): chr13:32,338,331, G>C. VCF-style: chr13-32338331-G-C. GRCh37 (hg19) VCF-style: chr13-32912468-G-C.
Other names: c.3976G>C, p.Ala1326Pro (NM_001406719.1, NM_001406720.1, NM_001432077.1); c.1909+4944G>C (NM_001406721.1); c.425-6227G>C (NM_001406722.1); short protein forms A1326P.
Identifiers: ClinVar variation 4802301 (VCV004802301.1).
Genomic context (GRCh38, chr13:32,338,331, plus strand): 5'-GTTGAAGAAATTACTGAAAATTACAAGAGAAATACTGAAAATGAAGATAACAAATATACT[G>C]CTGCCAGTAGAAATTCTCATAACTTAGAATTTGATGGCAGTGATTCAAGTAAAAATGATA-3'
Protein context (NP_000050.3, residues 1316-1336): NTENEDNKYT[Ala1326Pro]ASRNSHNLEF

ClinVar aggregate classification (germline): Uncertain significance (1 of 4 stars; one submission).

Conditions:
Hereditary breast ovarian cancer syndrome. Also called: Hereditary breast and ovarian cancer syndrome (HBOC); Hereditary breast and ovarian cancer; Breast and ovarian cancer; Hereditary breast and/or ovarian cancer syndrome; BRCA1- and BRCA2-Associated Hereditary Breast and Ovarian Cancer; Hereditary breast and ovarian cancer syndrome. Identifiers: Orphanet 145, MedGen C0677776, MeSH D061325, MONDO:0003582. Disease mechanism: loss of function.

Submission:

Labcorp Genetics (formerly Invitae), Labcorp
Classification: Uncertain significance for Hereditary breast ovarian cancer syndrome. Last evaluated: 2025-02-18. Review status: criteria provided, single submitter. Criteria: Invitae Variant Classification Sherloc (09022015). Collection method: clinical testing. Allele origin: germline.
Comment: This sequence change replaces alanine, which is neutral and non-polar, with proline, which is neutral and non-polar, at codon 1326 of the BRCA2 protein (p.Ala1326Pro). This variant is not present in population databases (gnomAD no frequency). This variant has not been reported in the literature in individuals affected with BRCA2-related conditions. Invitae Evidence Modeling of protein sequence and biophysical properties (such as structural, functional, and spatial information, amino acid conservation, physicochemical variation, residue mobility, and thermodynamic stability) indicates that this missense variant is not expected to disrupt BRCA2 protein function with a negative predictive value of 95%. In summary, the available evidence is currently insufficient to determine the role of this variant in disease. Therefore, it has been classified as a Variant of Uncertain Significance.